The following is an entry in ClinVar:

NM_153460.4(IL17RC):c.1421C>T (p.Ala474Val)

Gene: IL17RC (interleukin 17 receptor C; plus strand). Cytogenetic location: 3p25.3.
Variant type: single nucleotide variant.
Coding change: c.1421C>T on transcript NM_153460.4 (MANE Select); coding-DNA position 1421, C replaced by T.
Protein change: p.Ala474Val; replaces alanine 474 with valine.
Molecular consequence: missense variant. On other transcripts: non-coding transcript variant (1).
Genome position (GRCh38, 1-based): chr3:9,932,641, C>T. VCF-style: chr3-9932641-C-T. GRCh37 (hg19) VCF-style: chr3-9974325-C-T.
Other names: c.1421C>T, p.Ala474Val (NM_001203263.2); c.1370C>T, p.Ala457Val (NM_001203264.2); c.1325C>T, p.Ala442Val (NM_001203265.2, NM_001410711.1); c.1382C>T, p.Ala461Val (NM_001367278.1); c.1301C>T, p.Ala434Val (NM_001367279.1); c.1376C>T, p.Ala459Val (NM_001367280.1, NM_032732.6); c.1634C>T, p.Ala545Val (NM_153461.4); short protein forms A434V, A442V, A459V, A461V, A457V, A474V, A545V.
Identifiers: ClinVar variation 2755121 (VCV002755121.3), dbSNP rs779443326, ClinGen allele CA2247275.

ClinVar aggregate classification (germline): Uncertain significance (1 of 4 stars; one submission).

Conditions:
Candidiasis, familial, 9 (CANDF9). Identifiers: Orphanet 1334, MedGen C4225324, MONDO:0014642, OMIM 616445.

Allele frequency attached by ClinVar (database versions not stated): TOPMed below 0.00001; ExAC 0.00001; gnomAD 0.00001.
gnomAD v4.1: 2 of 1,614,068 alleles (0.00012%); highest among the groups gnomAD compares: Non-Finnish European, 0.00017%; no homozygotes.

Submission:

Labcorp Genetics (formerly Invitae), Labcorp
Classification: Uncertain significance for Candidiasis, familial, 9. Last evaluated: 2023-05-31. Review status: criteria provided, single submitter. Criteria: Invitae Variant Classification Sherloc (09022015). Collection method: clinical testing. Allele origin: germline.
Comment: This sequence change replaces alanine, which is neutral and non-polar, with valine, which is neutral and non-polar, at codon 545 of the IL17RC protein (p.Ala545Val). This variant is present in population databases (rs779443326, gnomAD 0.0009%). This variant has not been reported in the literature in individuals affected with IL17RC-related conditions. Algorithms developed to predict the effect of missense changes on protein structure and function output the following: SIFT: "Not Available"; PolyPhen-2: "Benign"; Align-GVGD: "Not Available". The valine amino acid residue is found in multiple mammalian species, which suggests that this missense change does not adversely affect protein function. In summary, the available evidence is currently insufficient to determine the role of this variant in disease. Therefore, it has been classified as a Variant of Uncertain Significance.